The following is an entry in ClinVar:

ClinVar aggregate classification (germline): Likely pathogenic (1 of 4 stars; one submission).

Submission:

Labcorp Genetics (formerly Invitae), Labcorp
Classification: Likely pathogenic. Last evaluated: 2021-03-28. Review status: criteria provided, single submitter. Criteria: Invitae Variant Classification Sherloc (09022015). Collection method: clinical testing. Allele origin: germline.
Comment: In summary, the currently available evidence indicates that the variant is pathogenic, but additional data are needed to prove that conclusively. Therefore, this variant has been classified as Likely Pathogenic. Loss-of-function variants in SLC26A4 are known to be pathogenic (PMID: 16283880, 25394566, 26252218, 26445815). This variant has not been reported in the literature in individuals with SLC26A4-related conditions. This variant results in a copy number gain of the genomic region encompassing exons 5-8 of the SLC26A4 gene. While the exact position of this variant cannot be determined from this data, sub-genic copy number gains are generally in tandem (PMID: 25640679) and may result in an absent or disrupted protein product.

Literature cited by the submitters: PubMed 16283880; PubMed 25394566; PubMed 26252218; PubMed 26445815; PubMed 25640679.

NC_000007.14:g.(?_107674154)_(107683567_?)dup

Gene: SLC26A4 (solute carrier family 26 member 4; plus strand). Cytogenetic location: 7q22.3.
Variant type: Duplication.
Identifiers: ClinVar variation 833093 (VCV000833093.5).